The following is an entry in ClinVar:

ClinVar aggregate classification (germline): Pathogenic (1 of 4 stars; one submission).

gnomAD v4.1: 1 of 1,609,866 alleles (0.000062%); highest among the groups gnomAD compares: Admixed American, 0.0017%; no homozygotes.

Submission:

Labcorp Genetics (formerly Invitae), Labcorp
Classification: Pathogenic. Last evaluated: 2023-06-25. Review status: criteria provided, single submitter. Criteria: Invitae Variant Classification Sherloc (09022015). Collection method: clinical testing. Allele origin: germline.
Comment: For these reasons, this variant has been classified as Pathogenic. Algorithms developed to predict the effect of sequence changes on RNA splicing suggest that this variant may create or strengthen a splice site. This sequence change creates a premature translational stop signal (p.Gln375*) in the GRM6 gene. It is expected to result in an absent or disrupted protein product. Loss-of-function variants in GRM6 are known to be pathogenic (PMID: 15781871, 16622103, 22008250). This variant is present in population databases (no rsID available, gnomAD 0.003%). This variant has not been reported in the literature in individuals affected with GRM6-related conditions. ClinVar contains an entry for this variant (Variation ID: 2083365).

Literature cited by the submitters: PubMed 15781871; PubMed 16622103; PubMed 22008250.

NM_000843.4(GRM6):c.1123C>T (p.Gln375Ter)

Genes: GRM6 (glutamate metabotropic receptor 6; minus strand), ZNF454 (zinc finger protein 454; plus strand). Cytogenetic location: 5q35.3.
Variant type: single nucleotide variant.
Coding change: c.1123C>T on transcript NM_000843.4 (MANE Select); coding-DNA position 1123, C replaced by T.
Protein change: p.Gln375Ter; replaces glutamine 375 with a stop codon.
Molecular consequence: nonsense.
Genome position (GRCh38, 1-based): chr5:178,989,295, G>A on the plus strand (C>T on the coding strand, the complement: GRM6 is on the minus strand). VCF-style: chr5-178989295-G-A. GRCh37 (hg19) VCF-style: chr5-178416296-G-A.
Other names: short protein forms Q375*.
Identifiers: ClinVar variation 2083365 (VCV002083365.4), dbSNP rs1189004291, ClinGen allele CA362430348.